The following is an entry in ClinVar:

ClinVar aggregate classification (germline): Likely pathogenic (1 of 4 stars; one submission).

Conditions:
Cystinuria (CSNU). Also called: CYSTINURIA, TYPE I; CYSTINURIA, TYPE II; CYSTINURIA, TYPE III; Cystinuria, non-type I. Identifiers: Orphanet 214, MedGen C0010691, MONDO:0009067, OMIM 220100, HP:0003131.

Allele frequency attached by ClinVar (database versions not stated): gnomAD exomes below 0.00001.
gnomAD v4.1: 3 of 1,614,022 alleles (0.00019%); highest among the groups gnomAD compares: Non-Finnish European, 0.00025%; no homozygotes.

Submission:

College of Medicine Research Centre, King Saud Univeristy
Classification: Likely pathogenic for Cystinuria. Last evaluated: 2019-08-01. Review status: criteria provided, single submitter. Criteria: ACMG Guidelines, 2015. Collection method: clinical testing. Allele origin: paternal. Inheritance: Autosomal dominant inheritance. Affected: yes. Observed: 1 heterozygote.
Comment: The SLC3A1 variant c.1229A>T p.(Asn410Ile) causes an amino acid change from Asn to Ile at position 410. Another variant located at the same residue c.1230C>A p.(Asn410Lys) has been described as pathogenic for cystinuria by the International Cystinuria Consortium (Font-Llitjos et al., 2005 - PMID: 15635077). The c.1229A>T/p.(Asn410Ile) variant is classified as likely pathogenic (class 2) according to the recommendations of ACMG.

NM_000341.4(SLC3A1):c.1230C>A (p.Asn410Lys)

Gene: SLC3A1 (solute carrier family 3 member 1; plus strand). Cytogenetic location: 2p21.
Variant type: single nucleotide variant.
Coding change: c.1230C>A on transcript NM_000341.4 (MANE Select); coding-DNA position 1230, C replaced by A.
Protein change: p.Asn410Lys; replaces asparagine 410 with lysine.
Molecular consequence: missense variant.
Genome position (GRCh38, 1-based): chr2:44,304,236, C>A. VCF-style: chr2-44304236-C-A. GRCh37 (hg19) VCF-style: chr2-44531375-C-A.
Other names: short protein forms N410K.
Identifiers: ClinVar variation 978421 (VCV000978421.3), dbSNP rs1672093819, ClinGen allele CA346682756.
Genomic context (GRCh38, chr2:44,304,236, plus strand): 5'-TGACAGGACCGTGATGTACTATGGATTGCCATTTATCCAAGAAGCTGATTTTCCCTTCAA[C>A]AATTACCTCAGCATGCTAGACACTGTTTCTGGGAACAGCGTGTATGAGGTTATCACATCC-3'
Protein context (NP_000332.2, residues 400-420): PFIQEADFPF[Asn410Lys]NYLSMLDTVS